The following is an entry in ClinVar:

NM_024782.3(NHEJ1):c.178-1G>A

Gene: NHEJ1 (non-homologous end joining factor 1; minus strand). Cytogenetic location: 2q35.
Variant type: single nucleotide variant.
Coding change: c.178-1G>A on transcript NM_024782.3 (MANE Select); the canonical splice acceptor site of the intron before coding-DNA position 178, G replaced by A.
Molecular consequence: splice acceptor variant.
Genome position (GRCh38, 1-based): chr2:219,157,685, C>T on the plus strand (G>A on the coding strand, the complement: NHEJ1 is on the minus strand). VCF-style: chr2-219157685-C-T. GRCh37 (hg19) VCF-style: chr2-220022407-C-T.
Other names: c.178-1G>A (NM_001377499.1, NM_001377498.1).
Identifiers: ClinVar variation 947055 (VCV000947055.1), dbSNP rs1949868667, ClinGen allele CA350632880.
Genomic context (GRCh38, chr2:219,157,685, plus strand): 5'-GAGATTATCCAAATGACAGAGGAAAGCTGCAGGAGGAGCAGTGAGCCGCTTGTTCAGCTC[C>T]TAAAGAGAGAGCAGTGGTACAGAGTAAGGGTGCTAAAAGGAAACTAATTCCCTCATAAGT-3'

ClinVar aggregate classification (germline): Likely pathogenic (1 of 4 stars; one submission).

Conditions:
Cernunnos-XLF deficiency (IMD124). Also called: SCID, AUTOSOMAL RECESSIVE, T CELL-NEGATIVE, B CELL-NEGATIVE, NK CELL-POSITIVE, WITH MICROCEPHALY, GROWTH RETARDATION, AND SENSITIVITY TO IONIZING RADIATION; NHEJ1 SYNDROME; Severe combined immunodeficiency with sensitivity to ionizing radiation due to NHEJ1 deficiency; SCID, autosomal recessive, T cell-negative, B cell-negative, NK cell-positive, and sensitivity to ionizing radiation due to NHEJ1 deficiency; IMMUNODEFICIENCY 124, SEVERE COMBINED. Identifiers: Orphanet 169079, MedGen C1969799, MONDO:0012650, OMIM 611291.

Submission:

Labcorp Genetics (formerly Invitae), Labcorp
Classification: Likely pathogenic for Severe combined immunodeficiency with microcephaly, growth retardation, and sensitivity to ionizing radiation. Last evaluated: 2019-07-12. Review status: criteria provided, single submitter. Criteria: Invitae Variant Classification Sherloc (09022015). Collection method: clinical testing. Allele origin: germline.
Comment: This sequence change affects an acceptor splice site in intron 2 of the NHEJ1 gene. It is expected to disrupt RNA splicing and likely results in an absent or disrupted protein product. This variant is not present in population databases (ExAC no frequency). This variant has not been reported in the literature in individuals with NHEJ1-related conditions. Algorithms developed to predict the effect of sequence changes on RNA splicing suggest that this variant may disrupt the consensus splice site, but this prediction has not been confirmed by published transcriptional studies. Donor and acceptor splice site variants typically lead to a loss of protein function (PMID: 16199547), and loss-of-function variants in NHEJ1 are known to be pathogenic (PMID: 16439204, 20597108). In summary, the currently available evidence indicates that the variant is pathogenic, but additional data are needed to prove that conclusively. Therefore, this variant has been classified as Likely Pathogenic.

Literature cited by the submitters: PubMed 20597108; PubMed 16439204.